The following is an entry in ClinVar:

ClinVar aggregate classification (germline): Conflicting classifications of pathogenicity. Review status: criteria provided, conflicting classifications (1 of 4 stars). 5 submissions from 5 submitters: Uncertain significance (4); Likely benign (1). Last evaluated 2026-02-03.

Conditions:
Sucrase-isomaltase deficiency (CSID). Also called: SI DEFICIENCY; Deficiency of isomaltase; Congenital sucrose isomaltose malabsorption; Sucrose isomaltose enzyme deficiency. Identifiers: Orphanet 35122, MedGen C1283620, MONDO:0009114, OMIM 222900.

Allele frequency attached by ClinVar (database versions not stated): gnomAD exomes 0.00095 and 0.00135; 1000 Genomes Project 0.00100; 1000 Genomes Project 30x 0.00094; ESP Exome Variant Server 0.00138; ExAC 0.00097; gnomAD 0.00108; TOPMed 0.00107.
gnomAD v4.1: 2,087 of 1,599,598 alleles (0.13%); highest among the groups gnomAD compares: Non-Finnish European, 0.15%; 3 homozygotes.

Submissions (5):

Labcorp Genetics (formerly Invitae), Labcorp
Classification: Likely benign. Last evaluated: 2026-02-03. Review status: criteria provided, single submitter. Criteria: Invitae Variant Classification Sherloc (09022015). Collection method: clinical testing. Allele origin: germline.

Blueprint Genetics
Classification: Uncertain significance. Last evaluated: 2024-11-06. Review status: criteria provided, single submitter. Criteria: ACMG Guidelines, 2015. Collection method: clinical testing. Allele origin: germline.

GeneDx
Classification: Uncertain significance. Last evaluated: 2024-04-22. Review status: criteria provided, single submitter. Criteria: GeneDx Variant Classification Process June 2021. Collection method: clinical testing. Allele origin: germline. Affected: yes.
Comment: Reported in individuals with irritable bowel syndrome (Garcia-Etxebarria et al., 2018); Published functional studies demonstrate a damaging effect: impaired cell surface expression and reduced enzyme activity of sucrase and palatinase (Husein et al., 2019); In silico analysis supports that this missense variant has a deleterious effect on protein structure/function; This variant is associated with the following publications: (PMID: 32732636, 31331993, 29408290, 30658996, 31557950, 34426522, Zamfir-Taranu2024[casereport])

Women's Health and Genetics/Laboratory Corporation of America, LabCorp
Classification: Uncertain significance. Last evaluated: 2023-11-21. Review status: criteria provided, single submitter. Criteria: LabCorp Variant Classification Summary - May 2015. Collection method: clinical testing. Allele origin: germline.
Comment: Variant summary: SI c.2320A>G (p.Arg774Gly) results in a non-conservative amino acid change located in the Glycosyl hydrolase family 31, C-terminal domain (IPR048395) of the encoded protein sequence. Three of five in-silico tools predict a damaging effect of the variant on protein function. The variant allele was found at a frequency of 0.00095 in 250454 control chromosomes. c.2320A>G has been reported in the literature at a heterozygous/unknown state in individuals affected with Sucrase-Isomaltase Deficiency and Irritable Bowel Syndrome, without strong evidence for causality (example, Husein_2019, Garcia-Etxebarria_2018, Deb_2021, Zheng_2020) . These report(s) do not provide unequivocal conclusions about association of the variant with Sucrase-Isomaltase Deficiency. At least one publication reports experimental evidence evaluating an impact on protein function. The most pronounced variant effect results in about 50%-60% of normal cell surface localization and about 60% to 45% of normal sucrase and palatinase activities in COS-1 cells (Husein_SI_Gut_2019). The following publications have been ascertained in the context of this evaluation (PMID: 31557950, 31331993, 29408290, 32732636, 30658996). Three submitters have cited clinical-significance assessments for this variant to ClinVar after 2014 (VUS, n=2; Likely benign, n=1). Based on the evidence outlined above, the variant was classified as uncertain significance.

Illumina Laboratory Services, Illumina
Classification: Uncertain significance for Sucrase-isomaltase deficiency. Last evaluated: 2017-04-27. Review status: criteria provided, single submitter. Criteria: ICSL Variant Classification Criteria 13 December 2019. Collection method: clinical testing. Allele origin: germline.

Literature cited by the submitters: PubMed 32732636 (cited by Women's Health and Genetics/Laboratory Corporation of America, LabCorp); PubMed 29408290 (cited by Women's Health and Genetics/Laboratory Corporation of America, LabCorp); PubMed 31331993 (cited by Women's Health and Genetics/Laboratory Corporation of America, LabCorp); PubMed 31557950 (cited by Women's Health and Genetics/Laboratory Corporation of America, LabCorp); PubMed 30658996 (cited by Women's Health and Genetics/Laboratory Corporation of America, LabCorp).

NM_001041.4(SI):c.2320A>G (p.Arg774Gly)

Gene: SI (sucrase-isomaltase; minus strand). Cytogenetic location: 3q26.1.
Variant type: single nucleotide variant.
Coding change: c.2320A>G on transcript NM_001041.4 (MANE Select); coding-DNA position 2320, A replaced by G.
Protein change: p.Arg774Gly; replaces arginine 774 with glycine.
Molecular consequence: missense variant.
Genome position (GRCh38, 1-based): chr3:165,038,006, T>C on the plus strand (A>G on the coding strand, the complement: SI is on the minus strand). VCF-style: chr3-165038006-T-C. GRCh37 (hg19) VCF-style: chr3-164755794-T-C.
Other names: short protein forms R774G.
Identifiers: ClinVar variation 976593 (VCV000976593.20), dbSNP rs147207752, ClinGen allele CA2690734.
Genomic context (GRCh38, chr3:165,038,006, plus strand): 5'-CTCCTCTAAGATGTAATCCTATTTTGTCTGCTGGAAGATACATATCAACCCGTTGTTTCC[T>C]CCATGGCCTTTTTGCACCCTAATAATTGGAAGATTAAAAACATTCTTAATATTATTGAAG-3'
Protein context (NP_001032.2, residues 764-784): DYESGAKRPW[Arg774Gly]KQRVDMYLPA